The following is an entry in ClinVar:

ClinVar aggregate classification (germline): Uncertain significance (1 of 4 stars; one submission).

Conditions:
Hereditary cancer-predisposing syndrome. Also called: Neoplastic Syndromes, Hereditary; Tumor predisposition; Hereditary neoplastic syndrome; Hereditary Cancer Syndrome. Identifiers: Orphanet 140162, MedGen C0027672, MeSH D009386, MONDO:0015356.

Submission:

Ambry Genetics
Classification: Uncertain significance for Hereditary cancer-predisposing syndrome. Last evaluated: 2025-10-10. Review status: criteria provided, single submitter. Criteria: Ambry Variant Classification Scheme 2023. Collection method: clinical testing. Allele origin: germline.
Comment: The c.906C>T variant (also known as p.G302G), located in coding exon 7 of the SUFU gene, results from a C to T substitution at nucleotide position 906. This nucleotide substitution does not change the glycine at codon 302. This nucleotide position is not well conserved in available vertebrate species. In silico splice site analysis predicts that this alteration will result in the creation or strengthening of a novel splice donor site; however, direct evidence is insufficient at this time (Ambry internal data). Since supporting evidence is limited at this time, the clinical significance of this alteration remains unclear.

NM_016169.4(SUFU):c.906C>T (p.Gly302=)

Gene: SUFU (SUFU negative regulator of hedgehog signaling; plus strand). Cytogenetic location: 10q24.32.
Variant type: single nucleotide variant.
Coding change: c.906C>T on transcript NM_016169.4 (MANE Select); coding-DNA position 906, C replaced by T.
Protein change: p.Gly302=; no amino-acid change (glycine 302 retained).
Molecular consequence: synonymous variant.
Genome position (GRCh38, 1-based): chr10:102,597,289, C>T. VCF-style: chr10-102597289-C-T. GRCh37 (hg19) VCF-style: chr10-104357046-C-T.
Other names: c.906C>T, p.Gly302= (NM_001178133.2).
Identifiers: ClinVar variation 2452612 (VCV002452612.3), dbSNP rs1417809577, ClinGen allele CA471300704.